The following is an entry in ClinVar:

ClinVar aggregate classification (germline): Uncertain significance. Review status: criteria provided, multiple submitters, no conflicts (2 of 4 stars). 2 submissions from 2 submitters: Uncertain significance (2). Last evaluated 2025-02-03.

Conditions:
Klippel-Feil syndrome 1, autosomal dominant (KFS1). Also called: CERVICAL VERTEBRAL FUSION, AUTOSOMAL DOMINANT. Identifiers: Orphanet 2345, MedGen C1861689, MONDO:0007306, OMIM 118100.
Isolated microphthalmia 4. Identifiers: Orphanet 2542, MedGen C2751307, MONDO:0013130, OMIM 613094.
Microphthalmia, isolated, with coloboma 6 (MCOPCB6). Also called: MICROPHTHALMIA/COLOBOMA 6; Microphthalmia with coloboma 6, digenic; Microphthalmia with coloboma 6. Identifiers: Orphanet 98938, MedGen C3150968, MONDO:0013376, OMIM 613703.
Leber congenital amaurosis 17 (LCA17). Identifiers: Orphanet 65, MedGen C3715164, MONDO:0014145, OMIM 615360.
Inborn genetic diseases. Identifiers: MedGen C0950123, MeSH D030342.

gnomAD v4.1: 7 of 1,613,660 alleles (0.00043%); highest among the groups gnomAD compares: East Asian, 0.0067%; no homozygotes.

Submissions (2):

Labcorp Genetics (formerly Invitae), Labcorp
Classification: Uncertain significance for Isolated microphthalmia 4; Leber congenital amaurosis 17; Klippel-Feil syndrome 1, autosomal dominant; Microphthalmia, isolated, with coloboma 6. Last evaluated: 2025-02-03. Review status: criteria provided, single submitter. Criteria: Invitae Variant Classification Sherloc (09022015). Collection method: clinical testing. Allele origin: germline.
Comment: This sequence change replaces isoleucine, which is neutral and non-polar, with valine, which is neutral and non-polar, at codon 28 of the GDF6 protein (p.Ile28Val). This variant is present in population databases (rs760516509, gnomAD 0.006%). This variant has not been reported in the literature in individuals affected with GDF6-related conditions. An algorithm developed to predict the effect of missense changes on protein structure and function (PolyPhen-2) suggests that this variant is likely to be disruptive. In summary, the available evidence is currently insufficient to determine the role of this variant in disease. Therefore, it has been classified as a Variant of Uncertain Significance.

Ambry Genetics
Classification: Uncertain significance for Inborn genetic diseases. Last evaluated: 2025-01-24. Review status: criteria provided, single submitter. Criteria: Ambry Variant Classification Scheme 2023. Collection method: clinical testing. Allele origin: germline.

NM_001001557.4(GDF6):c.82A>G (p.Ile28Val)

Gene: GDF6 (growth differentiation factor 6; minus strand). Cytogenetic location: 8q22.1.
Variant type: single nucleotide variant.
Coding change: c.82A>G on transcript NM_001001557.4 (MANE Select); coding-DNA position 82, A replaced by G.
Protein change: p.Ile28Val; replaces isoleucine 28 with valine.
Molecular consequence: missense variant.
Genome position (GRCh38, 1-based): chr8:96,160,611, T>C on the plus strand (A>G on the coding strand, the complement: GDF6 is on the minus strand). VCF-style: chr8-96160611-T-C. GRCh37 (hg19) VCF-style: chr8-97172839-T-C.
Other names: short protein forms I28V.
Identifiers: ClinVar variation 3853338 (VCV003853338.2).